The following is an entry in ClinVar:

ClinVar aggregate classification (germline): not provided. Review status: no classification provided (0 of 4 stars). 2 submissions from 1 submitter: not provided (2).

Conditions:
Preeclampsia. Identifiers: Orphanet 275555, MedGen C0032914, MONDO:0005081, HP:0100602.
Normal pregnancy. Identifiers: MedGen C0232989.

Submissions (2):

Institute of Molecular and Cell Biology, University of Tartu
No classification provided. Condition: Preeclampsia. Review status: no classification provided. Collection method: case-control. Allele origin: unknown. Affected: yes. Study: Kasak2014.
Comment: The study aimed to determine the contribution of copy number variants in the genetic etiology of normal and complicated pregnancies. The samples represented (i) maternal blood DNA drawn from healthy pregnant women during 1st or 2nd trimester and (ii) maternal and paternal blood DNA drawn at term pregnancy cases representing normal and complicated gestations (severe preeclampsia, PE; gestational diabetes, GD; small-for-gestational age newborn, SGA; large-for-gestational age newborn, LGA). We performed CNV calling based on genome-wide genotyping dataset (Illumina HumanOmniExpress-24-v1 BeadChip) by applying three algorithms, QuantiSNP, GADA (Genome Alteration Detection Algorithm) and CNstream in parallel. The acquired CNV calls were merged with HD-CNV (Hotspot Detector for Copy Number Variants) program and only the CNVs predicted by at least two programs, were considered in subsequent analysis.

Institute of Molecular and Cell Biology, University of Tartu
No classification provided. Condition: Normal pregnancy. Review status: no classification provided. Collection method: case-control. Allele origin: unknown. Affected: yes. Study: Kasak2014.
Comment: the same text as in the submission from Institute of Molecular and Cell Biology, University of Tartu above.

Literature cited by the submitters: PubMed 25666259.

NC_000013.11:g.58019523_58024897del

Variant type: Deletion.
Genome position: GRCh38: chr13:58,019,523-58,024,897. GRCh37 (hg19): chr13:58,593,657-58,599,031.
Identifiers: ClinVar variation 157272 (VCV000157272.3), ClinGen allele CA212354.